The following is an entry in ClinVar:

ClinVar aggregate classification (germline): Likely benign. Review status: criteria provided, multiple submitters, no conflicts (2 of 4 stars). 3 submissions from 3 submitters: Likely benign (3). Last evaluated 2026-04-01.

Allele frequency attached by ClinVar (database versions not stated): ExAC 0.00001; gnomAD exomes 0.00003 and 0.00015; 1000 Genomes Project 0.00020; 1000 Genomes Project 30x 0.00031; TOPMed 0.00041; gnomAD 0.00062 and 0.00064.
gnomAD v4.1: 139 of 1,612,604 alleles (0.0086%); highest among the groups gnomAD compares: Admixed American, 0.22%; no homozygotes.

Submissions (3):

CeGaT Center for Human Genetics Tuebingen
Classification: Likely benign. Last evaluated: 2026-04-01. Review status: criteria provided, single submitter. Criteria: CeGaT Center For Human Genetics Tuebingen Variant Classification Criteria Version 2. Collection method: clinical testing. Allele origin: germline. Affected: yes. Observed: 1 variant allele.
Comment: HSPG2: BP4, BP7

Labcorp Genetics (formerly Invitae), Labcorp
Classification: Likely benign. Last evaluated: 2025-10-26. Review status: criteria provided, single submitter. Criteria: Invitae Variant Classification Sherloc (09022015). Collection method: clinical testing. Allele origin: germline.

Blueprint Genetics
Classification: Likely benign. Last evaluated: 2021-11-09. Review status: criteria provided, single submitter. Criteria: ACMG Guidelines, 2015. Collection method: clinical testing. Allele origin: germline.

NM_005529.7(HSPG2):c.1680G>A (p.Gln560=)

Gene: HSPG2 (heparan sulfate proteoglycan 2; minus strand). Cytogenetic location: 1p36.12.
Variant type: single nucleotide variant.
Coding change: c.1680G>A on transcript NM_005529.7 (MANE Select); coding-DNA position 1680, G replaced by A.
Protein change: p.Gln560=; no amino-acid change (glutamine 560 retained).
Molecular consequence: synonymous variant.
Genome position (GRCh38, 1-based): chr1:21,881,477, C>T on the plus strand (G>A on the coding strand, the complement: HSPG2 is on the minus strand). VCF-style: chr1-21881477-C-T. GRCh37 (hg19) VCF-style: chr1-22207970-C-T.
Other names: c.1683G>A, p.Gln561= (NM_001291860.2).
Identifiers: ClinVar variation 796615 (VCV000796615.12), dbSNP rs535946637, ClinGen allele CA673332.